The following is an entry in ClinVar:

ClinVar aggregate classification (germline): Uncertain significance (1 of 4 stars; one submission).

Conditions:
Inborn genetic diseases. Identifiers: MedGen C0950123, MeSH D030342.

gnomAD v4.1: 2 of 1,612,694 alleles (0.00012%); highest among the groups gnomAD compares: Non-Finnish European, 0.00017%; no homozygotes.

Submission:

Ambry Genetics
Classification: Uncertain significance for Inborn genetic diseases. Last evaluated: 2025-06-28. Review status: criteria provided, single submitter. Criteria: Ambry Variant Classification Scheme 2023. Collection method: clinical testing. Allele origin: germline.
Comment: The p.V296E variant (also known as c.887T>A), located in coding exon 7 of the DNMT3A gene, results from a T to A substitution at nucleotide position 887. The valine at codon 296 is replaced by glutamic acid, an amino acid with dissimilar properties. This amino acid position is conserved. In addition, this alteration is predicted to be deleterious by in silico analysis. Based on the available evidence, the clinical significance of this variant remains unclear.

NM_022552.5(DNMT3A):c.887T>A (p.Val296Glu)

Gene: DNMT3A (DNA methyltransferase 3 alpha; minus strand). Cytogenetic location: 2p23.3.
Variant type: single nucleotide variant.
Coding change: c.887T>A on transcript NM_022552.5 (MANE Select); coding-DNA position 887, T replaced by A.
Protein change: p.Val296Glu; replaces valine 296 with glutamic acid.
Molecular consequence: missense variant. On other transcripts: non-coding transcript variant (1).
Genome position (GRCh38, 1-based): chr2:25,247,718, A>T on the plus strand (T>A on the coding strand, the complement: DNMT3A is on the minus strand). VCF-style: chr2-25247718-A-T. GRCh37 (hg19) VCF-style: chr2-25470587-A-T.
Other names: c.431T>A, p.Val144Glu (NM_001320893.1); c.218T>A, p.Val73Glu (NM_001375819.1); c.320T>A, p.Val107Glu (NM_153759.3); c.887T>A, p.Val296Glu (NM_175629.2); short protein forms V107E, V296E, V144E, V73E.
Identifiers: ClinVar variation 4243587 (VCV004243587.1).